The following is an entry in ClinVar:

ClinVar aggregate classification (germline): Uncertain significance (1 of 4 stars; one submission).

Conditions:
ANXA11-related disorder. Also called: ANXA11-related condition.

gnomAD v4.1: 6 of 1,567,052 alleles (0.00038%); highest among the groups gnomAD compares: Non-Finnish European, 0.00052%; no homozygotes.

Submission:

PreventionGenetics, part of Exact Sciences
Classification: Uncertain significance for ANXA11-related condition. Last evaluated: 2026-04-13. Review status: criteria provided, single submitter. Criteria: ACMG Guidelines, 2015. Collection method: clinical testing. Allele origin: germline.
Comment: The ANXA11 c.985G>C variant is predicted to result in the amino acid substitution p.Asp329His. To our knowledge, this variant has not been reported in the literature. This variant is reported in 0.0014% of alleles in individuals of European (Non-Finnish) descent in gnomAD. At this time, the clinical significance of this variant is uncertain due to the absence of conclusive functional and genetic evidence.

NM_145868.2(ANXA11):c.985G>C (p.Asp329His)

Gene: ANXA11 (annexin A11; minus strand). Cytogenetic location: 10q22.3.
Variant type: single nucleotide variant.
Coding change: c.985G>C on transcript NM_145868.2 (MANE Select); coding-DNA position 985, G replaced by C.
Protein change: p.Asp329His; replaces aspartic acid 329 with histidine.
Molecular consequence: missense variant.
Genome position (GRCh38, 1-based): chr10:80,163,578, C>G on the plus strand (G>C on the coding strand, the complement: ANXA11 is on the minus strand). VCF-style: chr10-80163578-C-G. GRCh37 (hg19) VCF-style: chr10-81923334-C-G.
Other names: c.985G>C, p.Asp329His (NM_001157.3, NM_001278407.2, NM_001278408.2 and 1 more transcripts); c.886G>C, p.Asp296His (NM_001278409.2); short protein forms D329H, D296H.
Identifiers: ClinVar variation 4982947 (VCV004982947.1).
Genomic context (GRCh38, chr10:80,163,578, plus strand): 5'-GTCGTGGGAAAAGTACCTGAGAGAGAGAGATGAGGAGCCGCTGGAAGTGCCCTGATGTGT[C>G]GCTTCGAATGGCCTCTTCCAGGGTCTTTTTGAATTCTGAAAGGGAGAAGCAAGGAAGGTC-3'
Protein context (NP_665875.1, residues 319-339): KKTLEEAIRS[Asp329His]TSGHFQRLLI